The following is an entry in ClinVar:

ClinVar aggregate classification (germline): Conflicting classifications of pathogenicity. Review status: criteria provided, conflicting classifications (1 of 4 stars). 5 submissions from 5 submitters: Uncertain significance (1); Benign (2); Likely benign (1). 1 of the submissions does not count toward it. Last evaluated 2026-01-26.

Conditions:
ARHGEF18-related disorder. Also called: ARHGEF18-related condition.
Inborn genetic diseases. Identifiers: MedGen C0950123, MeSH D030342.

Allele frequency attached by ClinVar (database versions not stated): ExAC 0.00028; gnomAD exomes 0.00050; gnomAD 0.00251 and 0.00265; 1000 Genomes Project 0.00260; TOPMed 0.00288; 1000 Genomes Project 30x 0.00328.
gnomAD v4.1: 751 of 1,531,836 alleles (0.049%); highest among the groups gnomAD compares: African/African-American, 0.94%; 4 homozygotes.

Submissions (5):

Labcorp Genetics (formerly Invitae), Labcorp
Classification: Benign. Last evaluated: 2026-01-26. Review status: criteria provided, single submitter. Criteria: Invitae Variant Classification Sherloc (09022015). Collection method: clinical testing. Allele origin: germline.

Blueprint Genetics
Classification: Likely benign. Last evaluated: 2024-10-08. Review status: criteria provided, single submitter. Criteria: ACMG Guidelines, 2015. Collection method: clinical testing. Allele origin: germline.

Ambry Genetics
Classification: Uncertain significance for Inborn genetic diseases. Last evaluated: 2024-01-23. Review status: criteria provided, single submitter. Criteria: Ambry Variant Classification Scheme 2023. Collection method: clinical testing. Allele origin: germline.

Breakthrough Genomics
Classification: Benign. Review status: criteria provided, single submitter. Criteria: ACMG Guidelines, 2015. Collection method: not provided. Allele origin: germline. Inheritance: Autosomal recessive inheritance. Affected: yes.

PreventionGenetics, part of Exact Sciences
Classification: Likely benign for ARHGEF18-related condition. Last evaluated: 2019-04-09. Review status: no assertion criteria provided. Collection method: clinical testing. Allele origin: germline. Not counted in ClinVar's aggregate classification.
Comment: This variant is classified as likely benign based on ACMG/AMP sequence variant interpretation guidelines (Richards et al. 2015 PMID: 25741868, with internal and published modifications).

NM_001367823.1(ARHGEF18):c.3217G>A (p.Glu1073Lys)

Gene: ARHGEF18 (Rho/Rac guanine nucleotide exchange factor 18; plus strand). Cytogenetic location: 19p13.2.
Variant type: single nucleotide variant.
Coding change: c.3217G>A on transcript NM_001367823.1 (MANE Select); coding-DNA position 3217, G replaced by A.
Protein change: p.Glu1073Lys; replaces glutamic acid 1073 with lysine.
Molecular consequence: missense variant.
Genome position (GRCh38, 1-based): chr19:7,467,421, G>A. VCF-style: chr19-7467421-G-A. GRCh37 (hg19) VCF-style: chr19-7532307-G-A.
Other names: c.2491G>A, p.Glu831Lys (NM_001130955.2); c.2179G>A, p.Glu727Lys (NM_001367824.1, NM_015318.4); short protein forms E831K, E1073K, E727K.
Identifiers: ClinVar variation 842406 (VCV000842406.15), dbSNP rs555008215, ClinGen allele CA9137127.